The following is an entry in ClinVar:

ClinVar aggregate classification (germline): Likely benign. Review status: criteria provided, multiple submitters, no conflicts (2 of 4 stars). 3 submissions from 3 submitters: Likely benign (3). Last evaluated 2025-06-15.

Conditions:
Autosomal dominant nonsyndromic hearing loss 20. Identifiers: Orphanet 90635, MedGen C1858172, MONDO:0011480, OMIM 604717.
Baraitser-winter syndrome 2. Identifiers: Orphanet 2995, MedGen C3281235, MONDO:0013812, OMIM 614583.

Allele frequency attached by ClinVar (database versions not stated): ExAC 0.00001; gnomAD 0.00002; TOPMed 0.00002; gnomAD exomes 0.00003.

Submissions (3):

Labcorp Genetics (formerly Invitae), Labcorp
Classification: Likely benign for Baraitser-winter syndrome 2; Autosomal dominant nonsyndromic hearing loss 20. Last evaluated: 2025-06-15. Review status: criteria provided, single submitter. Criteria: Invitae Variant Classification Sherloc (09022015). Collection method: clinical testing. Allele origin: germline.

CeGaT Center for Human Genetics Tuebingen
Classification: Likely benign. Last evaluated: 2024-06-01. Review status: criteria provided, single submitter. Criteria: CeGaT Center For Human Genetics Tuebingen Variant Classification Criteria Version 2. Collection method: clinical testing. Allele origin: germline. Affected: yes. Observed: 1 variant allele.
Comment: ACTG1: BP4, BP7

Blueprint Genetics
Classification: Likely benign. Last evaluated: 2023-03-15. Review status: criteria provided, single submitter. Criteria: ACMG Guidelines, 2015. Collection method: clinical testing. Allele origin: germline.

NM_001614.5(ACTG1):c.1036C>T (p.Leu346=)

Gene: ACTG1 (actin gamma 1; minus strand). Cytogenetic location: 17q25.3.
Variant type: single nucleotide variant.
Coding change: c.1036C>T on transcript NM_001614.5 (MANE Select); coding-DNA position 1036, C replaced by T.
Protein change: p.Leu346=; no amino-acid change (leucine 346 retained).
Molecular consequence: synonymous variant. On other transcripts: non-coding transcript variant (1).
Genome position (GRCh38, 1-based): chr17:81,510,782, G>A on the plus strand (C>T on the coding strand, the complement: ACTG1 is on the minus strand). VCF-style: chr17-81510782-G-A. GRCh37 (hg19) VCF-style: chr17-79477808-G-A.
Other names: c.1036C>T, p.Leu346= (NM_001199954.3).
Identifiers: ClinVar variation 2038065 (VCV002038065.23), dbSNP rs782217473, ClinGen allele CA8835835.